The following is an entry in ClinVar:

ClinVar aggregate classification (germline): Pathogenic (1 of 4 stars; one submission).

Submission:

GeneDx
Classification: Pathogenic. Last evaluated: 2014-12-29. Review status: criteria provided, single submitter. Criteria: GeneDx Variant Classification (06012015). Collection method: clinical testing. Allele origin: germline. Affected: yes.
Comment: Although the c.2347_2348insT pathogenic variant in the COL5A1 gene has not been reported to our knowledge, this variant causes a shift in reading frame starting at codon Glutamine 783, changing it to a Leucine, and creating a premature stop codon at position 30 of the new reading frame, denoted p.Gln783LeufsX30. This variant is expected to result in either an abnormal, truncated protein product or loss of protein from this allele through nonsense-mediated mRNA decay. Other frameshift mutations in the COL5A1 gene have been reported in association with Ehlers-Danlos syndrome. Furthermore, the c.2347_2348insT mutation was not observed in approximately 6500 individuals of European and African American ancestry in the NHLBI Exome Sequencing Project, indicating it is not a common benign variant in these populations. In summary, c.2347_2348insT in the COL5A1 gene is interpreted as a pathogenic variant.

NM_000093.5(COL5A1):c.2347_2348insT (p.Gln783fs)

Gene: COL5A1 (collagen type V alpha 1 chain; plus strand). Cytogenetic location: 9q34.3.
Variant type: Insertion.
Coding change: c.2347_2348insT on transcript NM_000093.5 (MANE Select); coding-DNA positions 2347 to 2348, T inserted.
Protein change: p.Gln783fs; shifts the reading frame from glutamine 783.
Molecular consequence: frameshift variant.
Genome position: GRCh38 VCF-style: chr9-134774874-C-CT. GRCh37 (hg19) VCF-style: chr9-137666720-C-CT.
Other names: c.2347_2348insT, p.Gln783fs (NM_001278074.1); short protein forms Q783fs.
Identifiers: ClinVar variation 213031 (VCV000213031.2), dbSNP rs863223471, ClinGen allele CA319844.